The following is an entry in ClinVar:

NM_002206.3(ITGA7):c.3144G>C (p.Gly1048=)

Gene: ITGA7 (integrin subunit alpha 7; minus strand). Cytogenetic location: 12q13.2.
Variant type: single nucleotide variant.
Coding change: c.3144G>C on transcript NM_002206.3 (MANE Select); coding-DNA position 3144, G replaced by C.
Protein change: p.Gly1048=; no amino-acid change (glycine 1048 retained).
Molecular consequence: synonymous variant.
Genome position (GRCh38, 1-based): chr12:55,688,010, C>G on the plus strand (G>C on the coding strand, the complement: ITGA7 is on the minus strand). VCF-style: chr12-55688010-C-G. GRCh37 (hg19) VCF-style: chr12-56081794-C-G.
Other names: p.Gly1048=; c.3156G>C, p.Gly1052= (NM_001144996.2); c.2865G>C, p.Gly955= (NM_001144997.2); c.2817G>C, p.Gly939= (NM_001367993.1); c.1800G>C, p.Gly600= (NM_001367994.1); c.3126G>C, p.Gly1042= (NM_001374465.1); c.3276G>C, p.Gly1092= (NM_001410977.1); c.3138G>C, p.Gly1046= (NM_001414029.1); and 6 more.
Identifiers: ClinVar variation 129296 (VCV000129296.18), dbSNP rs62648071, ClinGen allele CA153206.
Genomic context (GRCh38, chr12:55,688,010, plus strand): 5'-AGCCCCACCTCCAAGCCTCACCTTCCACAGGAGCAGCACCAGCAGTGCTAGCACCAGCAG[C>G]CCAGCCAGTACAGCCAGGAGGATGACCCACCAGGGCACTCCTTCTGCCACCACAGCCATG-3'
Protein context (NP_002197.2, residues 1038-1058): WWVILLAVLA[Gly1048=]LLVLALLVLL

ClinVar aggregate classification (germline): Benign. Review status: criteria provided, multiple submitters, no conflicts (2 of 4 stars). 6 submissions from 6 submitters: Benign (5). 1 of the submissions does not count toward it. Last evaluated 2026-01-31.

Conditions:
Congenital muscular dystrophy due to integrin alpha-7 deficiency. Also called: Congenital muscular dystrophy with integrin alpha-7 deficiency; Muscular dystrophy, congenital, due to ITGA7 deficiency; MYOPATHY, CONGENITAL, DUE TO INTEGRIN ALPHA-7 DEFICIENCY. Identifiers: Orphanet 34520, MedGen C2750786, MONDO:0013177, OMIM 613204.

Allele frequency attached by ClinVar (database versions not stated): gnomAD exomes 0.00152 and 0.00413; ExAC 0.00531; gnomAD 0.01627 and 0.01749; 1000 Genomes Project 0.01697; 1000 Genomes Project 30x 0.01765; ESP Exome Variant Server 0.01822; TOPMed 0.01846.
gnomAD v4.1: 4,762 of 1,614,166 alleles (0.3%); highest among the groups gnomAD compares: African/African-American, 5.8%; 123 homozygotes.

Submissions (6):

Labcorp Genetics (formerly Invitae), Labcorp
Classification: Benign for Congenital muscular dystrophy due to integrin alpha-7 deficiency. Last evaluated: 2026-01-31. Review status: criteria provided, single submitter. Criteria: Invitae Variant Classification Sherloc (09022015). Collection method: clinical testing. Allele origin: germline.

Mayo Clinic Laboratories, Mayo Clinic
Classification: Benign. Last evaluated: 2023-02-13. Review status: criteria provided, single submitter. Criteria: ACMG Guidelines, 2015. Collection method: clinical testing. Allele origin: germline. Observed: 9 variant alleles.
Comment: BA1, BP4, BP7

GeneDx
Classification: Benign. Last evaluated: 2016-05-24. Review status: criteria provided, single submitter. Criteria: GeneDx Variant Classification (06012015). Collection method: clinical testing. Allele origin: germline. Affected: yes.
Comment: This variant is considered likely benign or benign based on one or more of the following criteria: it is a conservative change, it occurs at a poorly conserved position in the protein, it is predicted to be benign by multiple in silico algorithms, and/or has population frequency not consistent with disease.

Breakthrough Genomics
Classification: Benign. Review status: criteria provided, single submitter. Criteria: ACMG Guidelines, 2015. Collection method: not provided. Allele origin: germline. Inheritance: Autosomal recessive inheritance. Affected: yes.

PreventionGenetics, part of Exact Sciences
Classification: Benign. Review status: criteria provided, single submitter. Criteria: ACMG Guidelines, 2015. Collection method: clinical testing. Allele origin: germline.

Genetic Services Laboratory, University of Chicago
Classification: Likely benign for AllHighlyPenetrant. Review status: no assertion criteria provided. Collection method: clinical testing. Allele origin: germline. Inheritance: Autosomal recessive inheritance. Not counted in ClinVar's aggregate classification.
Comment: Likely benign based on allele frequency in 1000 Genomes Project or ESP global frequency and its presence in a patient with a rare or unrelated disease phenotype. NOT Sanger confirmed.